The following is an entry in ClinVar:

ClinVar aggregate classification (germline): Uncertain significance. Review status: criteria provided, multiple submitters, no conflicts (2 of 4 stars). 2 submissions from 2 submitters: Uncertain significance (2). Last evaluated 2019-06-21.

Conditions:
Familial infantile myasthenia (CMS6). Also called: MYASTHENIC SYNDROME, PRESYNAPTIC, CONGENITAL, ASSOCIATED WITH EPISODIC APNEA; MYASTHENIC SYNDROME, CONGENITAL, 6, PRESYNAPTIC; Congenital myasthenic syndrome type 6. Identifiers: Orphanet 590, MedGen C0393929, MONDO:0009689, OMIM 254210.

Allele frequency attached by ClinVar (database versions not stated): gnomAD 0.00001.
gnomAD v4.1: 1 of 1,613,932 alleles (0.000062%); highest among the groups gnomAD compares: East Asian, 0.0022%; no homozygotes.

Submissions (2):

Revvity Omics, Revvity
Classification: Uncertain significance for Familial infantile myasthenia. Last evaluated: 2019-06-21. Review status: criteria provided, single submitter. Criteria: ACMG Guidelines, 2015. Collection method: clinical testing. Allele origin: germline.

Labcorp Genetics (formerly Invitae), Labcorp
Classification: Uncertain significance for Familial infantile myasthenia. Last evaluated: 2019-05-16. Review status: criteria provided, single submitter. Criteria: Invitae Variant Classification Sherloc (09022015). Collection method: clinical testing. Allele origin: germline.
Comment: This sequence change replaces alanine with valine at codon 590 of the CHAT protein (p.Ala590Val). The alanine residue is moderately conserved and there is a small physicochemical difference between alanine and valine. This variant is not present in population databases (ExAC no frequency). This variant has not been reported in the literature in individuals with CHAT-related disease. Algorithms developed to predict the effect of missense changes on protein structure and function output the following: SIFT: "Tolerated"; PolyPhen-2: "Benign"; Align-GVGD: "Class C0". The valine amino acid residue is found in multiple mammalian species, suggesting that this missense change does not adversely affect protein function. These predictions have not been confirmed by published functional studies and their clinical significance is uncertain. In summary, the available evidence is currently insufficient to determine the role of this variant in disease. Therefore, it has been classified as a Variant of Uncertain Significance.

NM_020549.5(CHAT):c.1769C>T (p.Ala590Val)

Gene: CHAT (choline O-acetyltransferase; plus strand). Cytogenetic location: 10q11.23.
Variant type: single nucleotide variant.
Coding change: c.1769C>T on transcript NM_020549.5 (MANE Select); coding-DNA position 1769, C replaced by T.
Protein change: p.Ala590Val; replaces alanine 590 with valine.
Molecular consequence: missense variant.
Genome position (GRCh38, 1-based): chr10:49,655,229, C>T. VCF-style: chr10-49655229-C-T. GRCh37 (hg19) VCF-style: chr10-50863275-C-T.
Other names: c.1415C>T, p.Ala472Val (NM_001142929.2, NM_001142934.2, NM_020984.4 and 2 more transcripts); c.1523C>T, p.Ala508Val (NM_001142933.2); short protein forms A590V, A472V, A508V.
Identifiers: ClinVar variation 530658 (VCV000530658.5), dbSNP rs1313042835, ClinGen allele CA376748215.